The following is an entry in ClinVar:

ClinVar aggregate classification (germline): Conflicting classifications of pathogenicity. Review status: criteria provided, conflicting classifications (1 of 4 stars). 4 submissions from 4 submitters: Uncertain significance (2); Likely benign (1). 1 of the submissions does not count toward it. Last evaluated 2024-11-29.

Conditions:
Inborn genetic diseases. Identifiers: MedGen C0950123, MeSH D030342.
ASPM-related disorder. Also called: ASPM-related condition.

Allele frequency attached by ClinVar (database versions not stated): ExAC 0.00001; gnomAD exomes 0.00001 and 0.00002; TOPMed 0.00001; gnomAD 0.00003.
gnomAD v4.1: 48 of 1,602,786 alleles (0.003%); highest among the groups gnomAD compares: African/African-American, 0.036%; no homozygotes.

Submissions (4):

Labcorp Genetics (formerly Invitae), Labcorp
Classification: Uncertain significance. Last evaluated: 2024-11-29. Review status: criteria provided, single submitter. Criteria: Invitae Variant Classification Sherloc (09022015). Collection method: clinical testing. Allele origin: germline.
Comment: This sequence change falls in intron 13 of the ASPM gene. It does not directly change the encoded amino acid sequence of the ASPM protein. It affects a nucleotide within the consensus splice site. This variant is present in population databases (rs377110373, gnomAD no frequency). This variant has not been reported in the literature in individuals affected with ASPM-related conditions. ClinVar contains an entry for this variant (Variation ID: 518200). Variants that disrupt the consensus splice site are a relatively common cause of aberrant splicing (PMID: 17576681, 9536098). Algorithms developed to predict the effect of sequence changes on RNA splicing suggest that this variant is not likely to affect RNA splicing. In summary, the available evidence is currently insufficient to determine the role of this variant in disease. Therefore, it has been classified as a Variant of Uncertain Significance.

Ambry Genetics
Classification: Uncertain significance for Inborn genetic diseases. Last evaluated: 2022-06-03. Review status: criteria provided, single submitter. Criteria: Ambry Variant Classification Scheme 2023. Collection method: clinical testing. Allele origin: germline.
Comment: The c.3390+3A>G intronic alteration consists of a A to G substitution nucleotides after coding exon 13 in the ASPM gene. Based on insufficient or conflicting evidence, the clinical significance of this alteration remains unclear.

GeneDx
Classification: Likely benign. Last evaluated: 2017-06-21. Review status: criteria provided, single submitter. Criteria: GeneDx Variant Classification (06012015). Collection method: clinical testing. Allele origin: germline. Affected: yes.
Comment: This variant is considered likely benign or benign based on one or more of the following criteria: it is a conservative change, it occurs at a poorly conserved position in the protein, it is predicted to be benign by multiple in silico algorithms, and/or has population frequency not consistent with disease.

PreventionGenetics, part of Exact Sciences
Classification: Likely benign for ASPM-related condition. Last evaluated: 2019-07-01. Review status: no assertion criteria provided. Collection method: clinical testing. Allele origin: germline. Not counted in ClinVar's aggregate classification.
Comment: This variant is classified as likely benign based on ACMG/AMP sequence variant interpretation guidelines (Richards et al. 2015 PMID: 25741868, with internal and published modifications).

Literature cited by the submitters: PubMed 17576681 (cited by Labcorp Genetics (formerly Invitae), Labcorp); PubMed 9536098 (cited by Labcorp Genetics (formerly Invitae), Labcorp).

NM_018136.5(ASPM):c.3390+3A>G

Gene: ASPM (assembly factor for spindle microtubules; minus strand). Cytogenetic location: 1q31.3.
Variant type: single nucleotide variant.
Coding change: c.3390+3A>G on transcript NM_018136.5 (MANE Select); 3 bases into the intron after coding-DNA position 3390, A replaced by G.
Molecular consequence: intron variant.
Genome position (GRCh38, 1-based): chr1:197,124,107, T>C on the plus strand (A>G on the coding strand, the complement: ASPM is on the minus strand). VCF-style: chr1-197124107-T-C. GRCh37 (hg19) VCF-style: chr1-197093237-T-C.
Other names: c.3390+3A>G (NM_001206846.2).
Identifiers: ClinVar variation 518200 (VCV000518200.9), dbSNP rs377110373, ClinGen allele CA1310192.